The following is an entry in ClinVar:

NM_001100.4(ACTA1):c.247G>A (p.Asp83Asn)

Gene: ACTA1 (actin alpha 1, skeletal muscle; minus strand). Cytogenetic location: 1q42.13.
Variant type: single nucleotide variant.
Coding change: c.247G>A on transcript NM_001100.4 (MANE Select); coding-DNA position 247, G replaced by A.
Protein change: p.Asp83Asn; replaces aspartic acid 83 with asparagine.
Molecular consequence: missense variant.
Genome position (GRCh38, 1-based): chr1:229,432,763, C>T on the plus strand (G>A on the coding strand, the complement: ACTA1 is on the minus strand). VCF-style: chr1-229432763-C-T. GRCh37 (hg19) VCF-style: chr1-229568510-C-T.
Other names: short protein forms D83N.
Identifiers: ClinVar variation 3348631 (VCV003348631.1).
Genomic context (GRCh38, chr1:229,432,763, plus strand): 5'-GCTCCTCGGGAGCCACGCGAAGCTCGTTGTAGAAGGTGTGGTGCCAGATCTTCTCCATGT[C>T]ATCCCAGTTGGTGATGATGCCGTGCTCGATAGGGTACTTCAGGGTCAGGATACCTCTCTT-3'
Protein context (NP_001091.1, residues 73-93): IEHGIITNWD[Asp83Asn]MEKIWHHTFY

ClinVar aggregate classification (germline): Uncertain significance (0 of 4 stars; one submission).

Conditions:
ACTA1-related disorder. Also called: ACTA1-related condition.

Submission:

PreventionGenetics, part of Exact Sciences
Classification: Uncertain significance for ACTA1-related condition. Last evaluated: 2024-03-13. Review status: no assertion criteria provided. Collection method: clinical testing. Allele origin: germline.
Comment: The ACTA1 c.247G>A variant is predicted to result in the amino acid substitution p.Asp83Asn. To our knowledge, this variant has not been reported in the literature or in a large population database, indicating this variant is rare. At this time, the clinical significance of this variant is uncertain due to the absence of conclusive functional and genetic evidence.